The following is an entry in ClinVar:

ClinVar aggregate classification (germline): Conflicting classifications of pathogenicity. Review status: criteria provided, conflicting classifications (1 of 4 stars). 3 submissions from 3 submitters: Uncertain significance (1); Likely benign (2). Last evaluated 2025-07-10.

Conditions:
Ehlers-Danlos syndrome, classic type, 1 (EDSCL1). Also called: Ehlers-Danlos Syndrome, Classic Type, COL5A1-Related; EDS I; EHLERS-DANLOS SYNDROME, GRAVIS TYPE; EHLERS-DANLOS SYNDROME, SEVERE CLASSIC TYPE; Ehlers-Danlos syndrome, type 1. Identifiers: MedGen C0268335, MONDO:0019567, OMIM 130000.
Osteogenesis imperfecta type I (OI1). Also called: OI, TYPE I; OSTEOGENESIS IMPERFECTA TARDA; OSTEOGENESIS IMPERFECTA WITH BLUE SCLERAE; Classic Non-deforming Osteogenesis Imperfecta with Blue Sclerae; Lobstein disease; Lobstein's Disease. Identifiers: Orphanet 216796, Orphanet 666, MedGen C0023931, MONDO:0008146, OMIM 166200. Disease mechanism: loss of function.

Submissions (3):

GeneDx
Classification: Uncertain significance. Last evaluated: 2025-07-10. Review status: criteria provided, single submitter. Criteria: GeneDx Variant Classification Process June 2021. Collection method: clinical testing. Allele origin: germline. Affected: yes.
Comment: Has not been previously published as pathogenic or benign to our knowledge; In silico analysis is inconclusive as to whether the variant alters gene splicing. In the absence of RNA/functional studies, the actual effect of this sequence change is unknown.

Blueprint Genetics
Classification: Likely benign. Last evaluated: 2024-05-20. Review status: criteria provided, single submitter. Criteria: ACMG Guidelines, 2015. Collection method: clinical testing. Allele origin: germline.

Labcorp Genetics (formerly Invitae), Labcorp
Classification: Likely benign for Osteogenesis imperfecta type I; Ehlers-Danlos syndrome, classic type, 1. Last evaluated: 2022-12-14. Review status: criteria provided, single submitter. Criteria: Invitae Variant Classification Sherloc (09022015). Collection method: clinical testing. Allele origin: germline.

NM_000089.4(COL1A2):c.1611+3_1611+6del

Gene: COL1A2 (collagen type I alpha 2 chain; plus strand). Cytogenetic location: 7q21.3.
Variant type: Deletion.
Coding change: c.1611+3_1611+6del on transcript NM_000089.4 (MANE Select); bases 3 to 6 of the intron after coding-DNA position 1611, 4 bases deleted (GAGT; older notation c.1611+3_1611+6delGAGT).
Molecular consequence: splice donor variant.
Genome position (GRCh38, 1-based): chr7:94,413,746-94,413,749, GAGT deleted; deleting any 4 consecutive bases within chr7:94,413,744-94,413,749 gives the same sequence; the c. name uses the placement nearest the transcript's 3' end. VCF-style (leftmost placement, unchanged base first): chr7-94413743-GGTGA-G. GRCh37 (hg19) VCF-style: chr7-94043055-GGTGA-G.
Identifiers: ClinVar variation 2152110 (VCV002152110.6), dbSNP rs766886409, ClinGen allele CA4347127.